The following is an entry in ClinVar:

ClinVar aggregate classification (germline): Conflicting classifications of pathogenicity. Review status: criteria provided, conflicting classifications (1 of 4 stars). 3 submissions from 3 submitters: Uncertain significance (2); Likely benign (1). Last evaluated 2025-03-27.

Conditions:
Inborn genetic diseases. Identifiers: MedGen C0950123, MeSH D030342.
Lethal left ventricular non-compaction-seizures-hypotonia-cataract-developmental delay syndrome. Also called: Combined oxidative phosphorylation deficiency 31. Identifiers: Orphanet 478049, MedGen C4310661, MONDO:0014976, OMIM 617228.

Allele frequency attached by ClinVar (database versions not stated): gnomAD exomes 0.00004 and 0.00002; 1000 Genomes Project 30x 0.00016; ExAC 0.00003; gnomAD 0.00004; 1000 Genomes Project 0.00020; TOPMed 0.00003.
gnomAD v4.1: 49 of 1,612,862 alleles (0.003%); highest among the groups gnomAD compares: East Asian, 0.016%; no homozygotes.

Submissions (3):

Ambry Genetics
Classification: Uncertain significance for Inborn genetic diseases. Last evaluated: 2025-03-27. Review status: criteria provided, single submitter. Criteria: Ambry Variant Classification Scheme 2023. Collection method: clinical testing. Allele origin: germline.

3billion
Classification: Likely benign for Lethal left ventricular non-compaction-seizures-hypotonia-cataract-developmental delay syndrome. Last evaluated: 2024-09-20. Review status: criteria provided, single submitter. Criteria: ACMG Guidelines, 2015. Collection method: clinical testing. Allele origin: germline. Affected: no.
Comment: The homozygous variant was found in patients diagnosed with another variant in a different gene, with no symptoms related to the gene containing the homozygous variant.

Labcorp Genetics (formerly Invitae), Labcorp
Classification: Uncertain significance. Last evaluated: 2022-08-31. Review status: criteria provided, single submitter. Criteria: Invitae Variant Classification Sherloc (09022015). Collection method: clinical testing. Allele origin: germline.
Comment: In summary, the available evidence is currently insufficient to determine the role of this variant in disease. Therefore, it has been classified as a Variant of Uncertain Significance. Algorithms developed to predict the effect of missense changes on protein structure and function output the following: SIFT: "Tolerated"; PolyPhen-2: "Benign"; Align-GVGD: "Class C0". The isoleucine amino acid residue is found in multiple mammalian species, which suggests that this missense change does not adversely affect protein function. ClinVar contains an entry for this variant (Variation ID: 1420118). This variant has not been reported in the literature in individuals affected with MIPEP-related conditions. This variant is present in population databases (rs567713935, gnomAD 0.01%). This sequence change replaces valine, which is neutral and non-polar, with isoleucine, which is neutral and non-polar, at codon 698 of the MIPEP protein (p.Val698Ile).

NM_005932.4(MIPEP):c.2092G>A (p.Val698Ile)

Gene: MIPEP (mitochondrial intermediate peptidase; minus strand). Cytogenetic location: 13q12.12.
Variant type: single nucleotide variant.
Coding change: c.2092G>A on transcript NM_005932.4 (MANE Select); coding-DNA position 2092, G replaced by A.
Protein change: p.Val698Ile; replaces valine 698 with isoleucine.
Molecular consequence: missense variant.
Genome position (GRCh38, 1-based): chr13:23,730,398, C>T on the plus strand (G>A on the coding strand, the complement: MIPEP is on the minus strand). VCF-style: chr13-23730398-C-T. GRCh37 (hg19) VCF-style: chr13-24304537-C-T.
Other names: c.2092G>A (NM_005932.3); short protein forms V698I.
Identifiers: ClinVar variation 1420118 (VCV001420118.9), dbSNP rs567713935, ClinGen allele CA6912664.